The following is an entry in ClinVar:

NM_001253852.3(AP4B1):c.531_535delinsAGA (p.Asn178fs)

Gene: AP4B1 (adaptor related protein complex 4 subunit beta 1; minus strand). Cytogenetic location: 1p13.2.
Variant type: Indel.
Coding change: c.531_535delinsAGA on transcript NM_001253852.3 (MANE Select); coding-DNA positions 531 to 535, GAACT replaced by AGA.
Protein change: p.Asn178fs; shifts the reading frame from asparagine 178.
Molecular consequence: frameshift variant. On other transcripts: intron variant (1).
Genome position (GRCh38, 1-based): chr1:113,901,318-113,901,322, AGTTC replaced by TCT on the plus strand (GAACT replaced by AGA on the coding strand, the reverse complement: AP4B1 is on the minus strand). VCF-style: chr1-113901318-AGTTC-TCT. GRCh37 (hg19) VCF-style: chr1-114443940-AGTTC-TCT.
Other names: c.234_238delinsAGA, p.Asn79fs (NM_001253853.3); c.531_535delinsAGA, p.Asn178fs (NM_006594.5); c.114-922_114-918delinsAGA (NM_001308312.2); short protein forms N79fs, N178fs.
Identifiers: ClinVar variation 4531850 (VCV004531850.1).

ClinVar aggregate classification (germline): Pathogenic (1 of 4 stars; one submission).

Conditions:
Hereditary spastic paraplegia 47. Also called: adaptor protein 4 (AP-4) deficiency syndrome; CEREBRAL PALSY, SPASTIC QUADRIPLEGIC, 5; Spastic paraplegia 47, autosomal recessive. Identifiers: Orphanet 280763, MedGen C3279738, MONDO:0013551, OMIM 614066.

Submission:

Victorian Clinical Genetics Services, Murdoch Childrens Research Institute
Classification: Pathogenic for Hereditary spastic paraplegia 47. Last evaluated: 2025-03-04. Review status: criteria provided, single submitter. Criteria: ACMG Guidelines, 2015. Collection method: clinical testing. Allele origin: germline. Affected: yes.
Comment: This variant is classified as Pathogenic. Evidence in support of pathogenic classification: Variant is predicted to cause nonsense-mediated decay (NMD) and loss of protein (premature termination codon is located at least 54 nucleotides upstream of the final exon-exon junction); Variant is present in gnomAD <0.01 for a recessive condition (v4: 4 heterozygote(s), 0 homozygote(s)); This variant has limited previous evidence of pathogenicity in an unrelated individuals. This variant has been reported in the literature in a compound heterozygous state in an individual with spastic paraplegia (PMID: 31525725); Other NMD-predicted variant(s) comparable to the one identified in this case have very strong previous evidence for pathogenicity (DECIPHER). Additional information: This variant is heterozygous; This gene is associated with autosomal recessive disease; No published segregation evidence has been identified for this variant; Loss of function is a known mechanism of disease in this gene and is associated with spastic paraplegia 47 (MIM#614066).

Literature cited by the submitters: PubMed 31525725.